The following is an entry in ClinVar:

ClinVar aggregate classification (germline): Uncertain significance (1 of 4 stars; one submission).

Conditions:
Hereditary cancer-predisposing syndrome. Also called: Neoplastic Syndromes, Hereditary; Tumor predisposition; Hereditary Cancer Syndrome; Hereditary neoplastic syndrome. Identifiers: Orphanet 140162, MedGen C0027672, MeSH D009386, MONDO:0015356.

Submission:

Color Diagnostics, LLC DBA Color Health
Classification: Uncertain significance for Hereditary cancer-predisposing syndrome. Last evaluated: 2023-12-04. Review status: criteria provided, single submitter. Criteria: ACMG Guidelines, 2015. Collection method: clinical testing. Allele origin: germline.
Comment: This missense variant replaces lysine with glutamine at codon 1205 of the BRIP1 protein. Computational prediction suggests that this variant may not impact protein structure and function (internally defined REVEL score threshold <= 0.5, PMID: 27666373). To our knowledge, functional studies have not been reported for this variant. This variant has not been reported in individuals affected with BRIP1-related disorders in the literature. This variant has not been identified in the general population by the Genome Aggregation Database (gnomAD). The available evidence is insufficient to determine the role of this variant in disease conclusively. Therefore, this variant is classified as a Variant of Uncertain Significance.

NM_032043.3(BRIP1):c.3613A>C (p.Lys1205Gln)

Gene: BRIP1 (BRCA1 interacting DNA helicase 1; minus strand). Cytogenetic location: 17q23.2.
Variant type: single nucleotide variant.
Coding change: c.3613A>C on transcript NM_032043.3 (MANE Select); coding-DNA position 3613, A replaced by C.
Protein change: p.Lys1205Gln; replaces lysine 1205 with glutamine.
Molecular consequence: missense variant.
Genome position (GRCh38, 1-based): chr17:61,683,433, T>G on the plus strand (A>C on the coding strand, the complement: BRIP1 is on the minus strand). VCF-style: chr17-61683433-T-G. GRCh37 (hg19) VCF-style: chr17-59760794-T-G.
Other names: short protein forms K1205Q.
Identifiers: ClinVar variation 926413 (VCV000926413.4), dbSNP rs1345178694, ClinGen allele CA400478033.